The following is an entry in ClinVar:

ClinVar aggregate classification (germline): Uncertain significance (1 of 4 stars; one submission).

Allele frequency attached by ClinVar (database versions not stated): gnomAD 0.00001; TOPMed 0.00001; ExAC 0.00003.
gnomAD v4.1: 13 of 1,578,842 alleles (0.00082%); highest among the groups gnomAD compares: Admixed American, 0.022%; no homozygotes.

Submission:

GeneDx
Classification: Uncertain significance. Last evaluated: 2025-01-21. Review status: criteria provided, single submitter. Criteria: GeneDx Variant Classification Process June 2021. Collection method: clinical testing. Allele origin: germline.
Comment: In silico analysis supports that this missense variant does not alter protein structure/function; Has not been previously published as pathogenic or benign to our knowledge

NM_000128.4(F11):c.17A>G (p.Gln6Arg)

Gene: F11 (coagulation factor XI; plus strand). Cytogenetic location: 4q35.2.
Variant type: single nucleotide variant.
Coding change: c.17A>G on transcript NM_000128.4 (MANE Select); coding-DNA position 17, A replaced by G.
Protein change: p.Gln6Arg; replaces glutamine 6 with arginine.
Molecular consequence: missense variant.
Genome position (GRCh38, 1-based): chr4:186,267,153, A>G. VCF-style: chr4-186267153-A-G. GRCh37 (hg19) VCF-style: chr4-187188307-A-G.
Other names: c.17A>G, p.Gln6Arg (NM_001354804.2); short protein forms Q6R.
Identifiers: ClinVar variation 2663236 (VCV002663236.2), dbSNP rs771485861, ClinGen allele CA3163536.
Genomic context (GRCh38, chr4:186,267,153, plus strand): 5'-TACATTTTATGTTCTAAAAGCATGCACCTTTTTCTCATTGTAGGATGATTTTCTTATATC[A>G]AGTGGTACATTTCATTTTATTTACTTCAGTTTCTGGTGGTAAGTAGAGTGTTATCTTAAC-3'
Protein context (NP_000119.1, residues 1-16): MIFLY[Gln6Arg]VVHFILFTSV